The following is an entry in ClinVar:

ClinVar aggregate classification (germline): Likely benign (1 of 4 stars; one submission).

Conditions:
RP1L1-related disorder. Also called: RP1L1-related condition.

gnomAD v4.1: 29 of 1,612,992 alleles (0.0018%); highest among the groups gnomAD compares: Admixed American, 0.03%; no homozygotes.

Submission:

PreventionGenetics, part of Exact Sciences
Classification: Likely benign for RP1L1-related condition. Last evaluated: 2025-12-16. Review status: criteria provided, single submitter. Criteria: ACMG Guidelines, 2015. Collection method: clinical testing. Allele origin: germline.
Comment: This variant is classified as likely benign based on ACMG/AMP sequence variant interpretation guidelines (Richards et al. 2015 PMID: 25741868, with internal and published modifications).

NM_178857.6(RP1L1):c.2451G>A (p.Ala817=)

Gene: RP1L1 (RP1 like 1). Cytogenetic location: 8p23.1.
Variant type: single nucleotide variant.
Coding change: c.2451G>A on transcript NM_178857.6 (MANE Select); coding-DNA position 2451, G replaced by A.
Protein change: p.Ala817=; no amino-acid change (alanine 817 retained).
Molecular consequence: synonymous variant.
Genome position (GRCh38, 1-based): chr8:10,611,647, C>T on the plus strand (G>A on the coding strand, the complement: RP1L1 is on the minus strand). VCF-style: chr8-10611647-C-T. GRCh37 (hg19) VCF-style: chr8-10469157-C-T.
Identifiers: ClinVar variation 4999695 (VCV004999695.1).
Genomic context (GRCh38, chr8:10,611,647, plus strand): 5'-GGCCTCTTGGGCCGGCTGCGTCCCAGGCTGTGAGCAGCAGTGGCTTCGGTGGGGGCCCAC[C>T]GCCCCTTGCTCAGGCCGTCCAACCTGCAGAACCAAGGGTGAGGAGGGCTGAGGCGTGTCC-3'
Protein context (NP_849188.4, residues 807-827): VLQVGRPEQG[Ala817=]VGPHRSHCCS